The following is an entry in ClinVar:

NM_032119.4(ADGRV1):c.17537A>G (p.Glu5846Gly)

Gene: ADGRV1 (adhesion G protein-coupled receptor V1; plus strand). Cytogenetic location: 5q14.3.
Variant type: single nucleotide variant.
Coding change: c.17537A>G on transcript NM_032119.4 (MANE Select); coding-DNA position 17537, A replaced by G.
Protein change: p.Glu5846Gly; replaces glutamic acid 5846 with glycine.
Molecular consequence: missense variant. On other transcripts: non-coding transcript variant (1).
Genome position (GRCh38, 1-based): chr5:90,854,144, A>G. VCF-style: chr5-90854144-A-G. GRCh37 (hg19) VCF-style: chr5-90149961-A-G.
Other names: short protein forms E5846G.
Identifiers: ClinVar variation 1056484 (VCV001056484.10), dbSNP rs1314917745, ClinGen allele CA360430601.

ClinVar aggregate classification (germline): Uncertain significance (1 of 4 stars; one submission).

Submission:

Labcorp Genetics (formerly Invitae), Labcorp
Classification: Uncertain significance. Last evaluated: 2022-03-19. Review status: criteria provided, single submitter. Criteria: Invitae Variant Classification Sherloc (09022015). Collection method: clinical testing. Allele origin: germline.
Comment: This variant has not been reported in the literature in individuals affected with ADGRV1-related conditions. In summary, the available evidence is currently insufficient to determine the role of this variant in disease. Therefore, it has been classified as a Variant of Uncertain Significance. Algorithms developed to predict the effect of missense changes on protein structure and function (SIFT, PolyPhen-2, Align-GVGD) all suggest that this variant is likely to be tolerated. ClinVar contains an entry for this variant (Variation ID: 1056484). This variant is not present in population databases (gnomAD no frequency). This sequence change replaces glutamic acid, which is acidic and polar, with glycine, which is neutral and non-polar, at codon 5846 of the ADGRV1 protein (p.Glu5846Gly).